The following is an entry in ClinVar:

NM_000057.4(BLM):c.2283A>T (p.Lys761Asn)

Gene: BLM (BLM RecQ like helicase; plus strand). Cytogenetic location: 15q26.1.
Variant type: single nucleotide variant.
Coding change: c.2283A>T on transcript NM_000057.4 (MANE Select); coding-DNA position 2283, A replaced by T.
Protein change: p.Lys761Asn; replaces lysine 761 with asparagine.
Molecular consequence: missense variant.
Genome position (GRCh38, 1-based): chr15:90,766,999, A>T. VCF-style: chr15-90766999-A-T. GRCh37 (hg19) VCF-style: chr15-91310229-A-T.
Other names: c.2283A>T, p.Lys761Asn (NM_001287246.2, NM_001287247.2); c.1158A>T, p.Lys386Asn (NM_001287248.2); short protein forms K761N, K386N.
Identifiers: ClinVar variation 941632 (VCV000941632.10), dbSNP rs1896150452, ClinGen allele CA393844958.

ClinVar aggregate classification (germline): Uncertain significance (1 of 4 stars; one submission).

Conditions:
Bloom syndrome (BLM). Also called: Bloom-Torre-Machacek syndrome. Identifiers: Orphanet 125, MedGen C0005859, MONDO:0008876, OMIM 210900.

Submission:

Labcorp Genetics (formerly Invitae), Labcorp
Classification: Uncertain significance for Bloom syndrome. Last evaluated: 2019-08-10. Review status: criteria provided, single submitter. Criteria: Invitae Variant Classification Sherloc (09022015). Collection method: clinical testing. Allele origin: germline.
Comment: In summary, the available evidence is currently insufficient to determine the role of this variant in disease. Therefore, it has been classified as a Variant of Uncertain Significance. Algorithms developed to predict the effect of missense changes on protein structure and function are either unavailable or do not agree on the potential impact of this missense change (SIFT: "Tolerated"; PolyPhen-2: "Probably Damaging"; Align-GVGD: "Class C0"). This variant has not been reported in the literature in individuals with BLM-related conditions. This variant is not present in population databases (ExAC no frequency). This sequence change replaces lysine with asparagine at codon 761 of the BLM protein (p.Lys761Asn). The lysine residue is highly conserved and there is a moderate physicochemical difference between lysine and asparagine.